The following is an entry in ClinVar:

NM_015910.7(WDPCP):c.1201T>G (p.Leu401Val)

Gene: WDPCP (WD repeat containing planar cell polarity effector; minus strand). Cytogenetic location: 2p15.
Variant type: single nucleotide variant.
Coding change: c.1201T>G on transcript NM_015910.7 (MANE Select); coding-DNA position 1201, T replaced by G.
Protein change: p.Leu401Val; replaces leucine 401 with valine.
Molecular consequence: missense variant. On other transcripts: non-coding transcript variant (3).
Genome position (GRCh38, 1-based): chr2:63,404,282, A>C on the plus strand (T>G on the coding strand, the complement: WDPCP is on the minus strand). VCF-style: chr2-63404282-A-C. GRCh37 (hg19) VCF-style: chr2-63631417-A-C.
Other names: c.724T>G, p.Leu242Val (NM_001042692.3); c.1129T>G, p.Leu377Val (NM_001354044.2); c.1201T>G, p.Leu401Val (NM_001354045.2); c.1201T>G (NM_015910.5); short protein forms L242V, L377V, L401V.
Identifiers: ClinVar variation 1000170 (VCV001000170.15), dbSNP rs1040913823, ClinGen allele CA347064928.

ClinVar aggregate classification (germline): Uncertain significance. Review status: criteria provided, multiple submitters, no conflicts (2 of 4 stars). 3 submissions from 3 submitters: Uncertain significance (3). Last evaluated 2025-05-18.

Conditions:
Heart defect - tongue hamartoma - polysyndactyly syndrome. Also called: Congenital heart defects, hamartomas of tongue, and polysyndactyly. Identifiers: Orphanet 1338, MedGen C1857587, MONDO:0009008, OMIM 217085.
Bardet-Biedl syndrome 15 (BBS15). Identifiers: Orphanet 110, MedGen C3150127, MONDO:0014443, OMIM 615992.
Inborn genetic diseases. Identifiers: MedGen C0950123, MeSH D030342.
Bardet-Biedl syndrome (BBS). Identifiers: Orphanet 110, MedGen C0752166, MONDO:0015229.

Allele frequency attached by ClinVar (database versions not stated): gnomAD 0.00001; TOPMed 0.00003.
gnomAD v4.1: 5 of 1,613,588 alleles (0.00031%); highest among the groups gnomAD compares: East Asian, 0.0022%; no homozygotes.

Submissions (4):

Ambry Genetics
Classification: Uncertain significance for Inborn genetic diseases. Last evaluated: 2025-05-18. Review status: criteria provided, single submitter. Criteria: Ambry Variant Classification Scheme 2023. Collection method: clinical testing. Allele origin: germline.

Labcorp Genetics (formerly Invitae), Labcorp
Classification: Uncertain significance for Bardet-Biedl syndrome. Last evaluated: 2023-08-10. Review status: criteria provided, single submitter. Criteria: Invitae Variant Classification Sherloc (09022015). Collection method: clinical testing. Allele origin: germline.
Comment: In summary, the available evidence is currently insufficient to determine the role of this variant in disease. Therefore, it has been classified as a Variant of Uncertain Significance. Advanced modeling of protein sequence and biophysical properties (such as structural, functional, and spatial information, amino acid conservation, physicochemical variation, residue mobility, and thermodynamic stability) performed at Invitae indicates that this missense variant is not expected to disrupt WDPCP protein function. ClinVar contains an entry for this variant (Variation ID: 1000170). This variant has not been reported in the literature in individuals affected with WDPCP-related conditions. This variant is not present in population databases (gnomAD no frequency). This sequence change replaces leucine, which is neutral and non-polar, with valine, which is neutral and non-polar, at codon 401 of the WDPCP protein (p.Leu401Val).

Fulgent Genetics
Classification: Uncertain significance for Heart defect - tongue hamartoma - polysyndactyly syndrome; Bardet-Biedl syndrome 15. Last evaluated: 2021-12-21. Review status: criteria provided, single submitter. Criteria: ACMG Guidelines, 2015. Collection method: clinical testing. Allele origin: unknown.

Dr. Peter K. Rogan Lab, Western University
No classification provided (evidence only). Condition: Ovarian serous cystadenocarcinoma. Review status: no classification provided. Collection method: in vitro. Allele origin: not applicable. Functional consequence: retained intron. Not counted in ClinVar's aggregate classification.